The following is an entry in ClinVar:

ClinVar aggregate classification (germline): Conflicting classifications of pathogenicity. Review status: criteria provided, conflicting classifications (1 of 4 stars). 6 submissions from 6 submitters: Uncertain significance (5); Likely benign (1). Last evaluated 2026-07-07.

Conditions:
Hereditary cancer-predisposing syndrome. Also called: Hereditary Cancer Syndrome; Hereditary neoplastic syndrome; Neoplastic Syndromes, Hereditary; Tumor predisposition. Identifiers: Orphanet 140162, MedGen C0027672, MeSH D009386, MONDO:0015356.
Intellectual disability, autosomal dominant 16 (CSS4). Also called: COFFIN-SIRIS SYNDROME 4. Identifiers: Orphanet 1465, MedGen C3553249, MONDO:0013821, OMIM 614609.
Rhabdoid tumor predisposition syndrome 2 (RTPS2). Identifiers: Orphanet 231108, Orphanet 69077, MedGen C2750074, MONDO:0013224, OMIM 613325.
Otosclerosis 12. Identifiers: MedGen C5935610, MONDO:0968980, OMIM 620792.

Allele frequency attached by ClinVar (database versions not stated): gnomAD exomes 0.00001; ExAC 0.00001.
gnomAD v4.1: 5 of 1,614,168 alleles (0.00031%); highest among the groups gnomAD compares: Non-Finnish European, 0.00042%; no homozygotes.

Submissions (6):

Myriad Genetics, Inc.
Classification: Likely benign for Rhabdoid tumor predisposition syndrome 2. Last evaluated: 2026-07-07. Review status: criteria provided, single submitter. Criteria: Myriad Autosomal Dominant, Autosomal Recessive and X-Linked Classification Criteria (2023). Collection method: clinical testing. Allele origin: unknown.
Comment: This variant is considered likely benign. This variant has been observed at a population frequency that is significantly greater than expected given the associated disease prevalence and penetrance.

Dasa
Classification: Uncertain significance. Last evaluated: 2026-01-20. Review status: criteria provided, single submitter. Criteria: DASA Assertion Criteria. Collection method: clinical testing. Allele origin: germline.
Comment: NM_003072.5(SMARCA4):c.3350C>T (p.Ala1117Val) is a missense variant that results in the substitution of alanine with valine. This variant is rare in population databases. The currently available literature and clinical evidence are not sufficient to establish a definitive association between this variant and the reported condition. Therefore, this variant is classified as a variant of uncertain significance.

Labcorp Genetics (formerly Invitae), Labcorp
Classification: Uncertain significance for Rhabdoid tumor predisposition syndrome 2. Last evaluated: 2025-07-09. Review status: criteria provided, single submitter. Criteria: Invitae Variant Classification Sherloc (09022015). Collection method: clinical testing. Allele origin: germline.
Comment: This sequence change replaces alanine, which is neutral and non-polar, with valine, which is neutral and non-polar, at codon 1117 of the SMARCA4 protein (p.Ala1117Val). This variant is present in population databases (rs755069412, gnomAD 0.006%). This missense change has been observed in individual(s) with SMARCA4-related conditions (PMID: 37500730). ClinVar contains an entry for this variant (Variation ID: 589185). Invitae Evidence Modeling of protein sequence and biophysical properties (such as structural, functional, and spatial information, amino acid conservation, physicochemical variation, residue mobility, and thermodynamic stability) indicates that this missense variant is not expected to disrupt SMARCA4 protein function with a negative predictive value of 95%. In summary, the available evidence is currently insufficient to determine the role of this variant in disease. Therefore, it has been classified as a Variant of Uncertain Significance.

Ambry Genetics
Classification: Uncertain significance for Hereditary cancer-predisposing syndrome. Last evaluated: 2024-05-23. Review status: criteria provided, single submitter. Criteria: Ambry Variant Classification Scheme 2023. Collection method: clinical testing. Allele origin: germline.
Comment: The p.A1117V variant (also known as c.3350C>T), located in coding exon 23 of the SMARCA4 gene, results from a C to T substitution at nucleotide position 3350. The alanine at codon 1117 is replaced by valine, an amino acid with similar properties. This amino acid position is highly conserved in available vertebrate species. In addition, the in silico prediction for this alteration is inconclusive. Based on the available evidence, the clinical significance of this variant remains unclear.

Fulgent Genetics
Classification: Uncertain significance for Rhabdoid tumor predisposition syndrome 2; Intellectual disability, autosomal dominant 16; Otosclerosis 12. Last evaluated: 2024-01-04. Review status: criteria provided, single submitter. Criteria: ACMG Guidelines, 2015. Collection method: clinical testing. Allele origin: germline.

Genome-Nilou Lab
Classification: Uncertain significance for Intellectual disability, autosomal dominant 16. Last evaluated: 2021-07-15. Review status: criteria provided, single submitter. Criteria: ACMG Guidelines, 2015. Collection method: clinical testing. Allele origin: germline. Affected: no.

Literature cited by the submitters: PubMed 37500730 (cited by Labcorp Genetics (formerly Invitae), Labcorp).

NM_003072.5(SMARCA4):c.3350C>T (p.Ala1117Val)

Gene: SMARCA4 (SWI/SNF related BAF chromatin remodeling complex subunit ATPase 4; plus strand). Cytogenetic location: 19p13.2.
Variant type: single nucleotide variant.
Coding change: c.3350C>T on transcript NM_003072.5 (MANE Select); coding-DNA position 3350, C replaced by T.
Protein change: p.Ala1117Val; replaces alanine 1117 with valine.
Molecular consequence: missense variant. On other transcripts: non-coding transcript variant (1).
Genome position (GRCh38, 1-based): chr19:11,027,918, C>T. VCF-style: chr19-11027918-C-T. GRCh37 (hg19) VCF-style: chr19-11138594-C-T.
Other names: c.3350C>T (NM_001128849.2); c.3350C>T, p.Ala1117Val (NM_001128845.2, NM_001128846.2, NM_001128847.4 and 5 more transcripts); short protein forms A1117V.
Identifiers: ClinVar variation 589185 (VCV000589185.20), dbSNP rs755069412, ClinGen allele CA9204388.